The following is an entry in ClinVar:

NM_003441.4(ZNF141):c.386G>A (p.Gly129Asp)

Gene: ZNF141 (zinc finger protein 141; plus strand). Cytogenetic location: 4p16.3.
Variant type: single nucleotide variant.
Coding change: c.386G>A on transcript NM_003441.4 (MANE Select); coding-DNA position 386, G replaced by A.
Protein change: p.Gly129Asp; replaces glycine 129 with aspartic acid.
Molecular consequence: missense variant.
Genome position (GRCh38, 1-based): chr4:372,823, G>A. VCF-style: chr4-372823-G-A. GRCh37 (hg19) VCF-style: chr4-366612-G-A.
Other names: c.158G>A, p.Gly53Asp (NM_001348277.2); c.386G>A, p.Gly129Asp (NM_001348278.2); short protein forms G129D, G53D.
Identifiers: ClinVar variation 718907 (VCV000718907.7), dbSNP rs138386005, ClinGen allele CA2791718.

ClinVar aggregate classification (germline): Benign/Likely benign. Review status: criteria provided, multiple submitters, no conflicts (2 of 4 stars). 4 submissions from 4 submitters: Benign (2); Likely benign (1). 1 of the submissions does not count toward it. Last evaluated 2025-08-18.

Conditions:
ZNF141-related disorder. Also called: ZNF141-related condition.

Allele frequency attached by ClinVar (database versions not stated): 1000 Genomes Project 0.00080; 1000 Genomes Project 30x 0.00109; gnomAD 0.00149 and 0.00155; gnomAD exomes 0.00152 and 0.00191; ExAC 0.00180; TOPMed 0.00186; ESP Exome Variant Server 0.00208.

Submissions (4):

Genomic Medicine Center of Excellence, King Faisal Specialist Hospital and Research Centre
Classification: Likely benign. Last evaluated: 2025-08-18. Review status: criteria provided, single submitter. Criteria: ACMG Guidelines, 2015. Collection method: clinical testing. Allele origin: germline.

Labcorp Genetics (formerly Invitae), Labcorp
Classification: Benign. Last evaluated: 2018-07-31. Review status: criteria provided, single submitter. Criteria: Invitae Variant Classification Sherloc (09022015). Collection method: clinical testing. Allele origin: germline.

Breakthrough Genomics
Classification: Benign. Review status: criteria provided, single submitter. Criteria: ACMG Guidelines, 2015. Collection method: not provided. Allele origin: germline. Inheritance: Autosomal recessive inheritance. Affected: yes.

PreventionGenetics, part of Exact Sciences
Classification: Benign for ZNF141-related condition. Last evaluated: 2019-08-08. Review status: no assertion criteria provided. Collection method: clinical testing. Allele origin: germline. Not counted in ClinVar's aggregate classification.
Comment: This variant is classified as benign based on ACMG/AMP sequence variant interpretation guidelines (Richards et al. 2015 PMID: 25741868, with internal and published modifications).